The following is an entry in ClinVar:

NM_000548.5(TSC2):c.1780A>G (p.Ile594Val)

Gene: TSC2 (TSC complex subunit 2; plus strand). Cytogenetic location: 16p13.3.
Variant type: single nucleotide variant.
Coding change: c.1780A>G on transcript NM_000548.5 (MANE Select); coding-DNA position 1780, A replaced by G.
Protein change: p.Ile594Val; replaces isoleucine 594 with valine.
Molecular consequence: missense variant.
Genome position (GRCh38, 1-based): chr16:2,070,519, A>G. VCF-style: chr16-2070519-A-G. GRCh37 (hg19) VCF-style: chr16-2120520-A-G.
Other names: c.1780A>G, p.Ile594Val (NM_001077183.3, NM_001114382.3, NM_001363528.2 and 3 more transcripts); c.1669A>G, p.Ile557Val (NM_001318827.2); c.1633A>G, p.Ile545Val (NM_001318829.2); c.1180A>G, p.Ile394Val (NM_001318831.2); c.1813A>G, p.Ile605Val (NM_001318832.2); short protein forms I594V, I557V, I394V, I545V, I605V.
Identifiers: ClinVar variation 467895 (VCV000467895.11), dbSNP rs1555505128, ClinGen allele CA394272907.

ClinVar aggregate classification (germline): Conflicting classifications of pathogenicity. Review status: criteria provided, conflicting classifications (1 of 4 stars). 3 submissions from 3 submitters: Uncertain significance (2); Benign (1). Last evaluated 2026-01-04.

Conditions:
Hereditary cancer-predisposing syndrome. Also called: Hereditary neoplastic syndrome; Neoplastic Syndromes, Hereditary; Tumor predisposition; Hereditary Cancer Syndrome. Identifiers: Orphanet 140162, MedGen C0027672, MeSH D009386, MONDO:0015356.
Tuberous sclerosis 2 (TSC2). Identifiers: Orphanet 805, MedGen C1860707, MONDO:0013199, OMIM 613254.

Allele frequency attached by ClinVar (database versions not stated): gnomAD exomes below 0.00001.
gnomAD v4.1: 1 of 1,613,380 alleles (0.000062%); highest among the groups gnomAD compares: Non-Finnish European, 0.000085%; no homozygotes.

Submissions (3):

Labcorp Genetics (formerly Invitae), Labcorp
Classification: Benign for Tuberous sclerosis 2. Last evaluated: 2026-01-04. Review status: criteria provided, single submitter. Criteria: Invitae Variant Classification Sherloc (09022015). Collection method: clinical testing. Allele origin: germline.

Ambry Genetics
Classification: Uncertain significance for Hereditary cancer-predisposing syndrome. Last evaluated: 2025-07-16. Review status: criteria provided, single submitter. Criteria: Ambry Variant Classification Scheme 2023. Collection method: clinical testing. Allele origin: germline.
Comment: The p.I594V variant (also known as c.1780A>G), located in coding exon 16 of the TSC2 gene, results from an A to G substitution at nucleotide position 1780. The isoleucine at codon 594 is replaced by valine, an amino acid with highly similar properties. This amino acid position is conserved. In addition, this alteration is predicted to be tolerated by in silico analysis. Based on the available evidence, the clinical significance of this variant remains unclear.

GeneDx
Classification: Uncertain significance. Last evaluated: 2025-07-11. Review status: criteria provided, single submitter. Criteria: GeneDx Variant Classification Process June 2021. Collection method: clinical testing. Allele origin: germline. Affected: yes.
Comment: Not observed at significant frequency in large population cohorts (gnomAD); In silico analysis suggests that this missense variant does not alter protein structure/function; Has not been previously published as pathogenic or benign to our knowledge